The following is an entry in ClinVar:

ClinVar aggregate classification (germline): Uncertain significance (1 of 4 stars; one submission).

Submission:

Labcorp Genetics (formerly Invitae), Labcorp
Classification: Uncertain significance. Last evaluated: 2025-02-13. Review status: criteria provided, single submitter. Criteria: Invitae Variant Classification Sherloc (09022015). Collection method: clinical testing. Allele origin: germline.
Comment: This sequence change falls in intron 9 of the NUP133 gene. It does not directly change the encoded amino acid sequence of the NUP133 protein. This variant is present in population databases (rs762212034, gnomAD 0.002%). This variant has not been reported in the literature in individuals affected with NUP133-related conditions. Algorithms developed to predict the effect of sequence changes on RNA splicing suggest that this variant may disrupt the consensus splice site. In summary, the available evidence is currently insufficient to determine the role of this variant in disease. Therefore, it has been classified as a Variant of Uncertain Significance.

NM_018230.3(NUP133):c.1195-13_1195-8del

Gene: NUP133 (nucleoporin 133; minus strand). Cytogenetic location: 1q42.13.
Variant type: Deletion.
Coding change: c.1195-13_1195-8del on transcript NM_018230.3 (MANE Select); 13 bases into the intron before coding-DNA position 1195 through 8 bases into the intron before coding-DNA position 1195, 6 bases deleted (ATTTAA; older notation c.1195-13_1195-8delATTTAA).
Molecular consequence: intron variant.
Genome position (GRCh38, 1-based): chr1:229,487,621-229,487,626, TTAAAT deleted on the plus strand (ATTTAA on the coding strand, the reverse complement: NUP133 is on the minus strand); deleting any 6 consecutive bases within chr1:229,487,621-229,487,630 gives the same sequence; the c. name uses the placement nearest the transcript's 3' end. VCF-style (leftmost placement, unchanged base first): chr1-229487620-GTTAAAT-G. GRCh37 (hg19) VCF-style: chr1-229623367-GTTAAAT-G.
Identifiers: ClinVar variation 4708216 (VCV004708216.1).